The following is an entry in ClinVar:

NM_014915.3(ANKRD26):c.185T>C (p.Val62Ala)

Gene: ANKRD26 (ankyrin repeat domain containing 26; minus strand). Cytogenetic location: 10p12.1.
Variant type: single nucleotide variant.
Coding change: c.185T>C on transcript NM_014915.3 (MANE Select); coding-DNA position 185, T replaced by C.
Protein change: p.Val62Ala; replaces valine 62 with alanine.
Molecular consequence: missense variant.
Genome position (GRCh38, 1-based): chr10:27,100,142, A>G on the plus strand (T>C on the coding strand, the complement: ANKRD26 is on the minus strand). VCF-style: chr10-27100142-A-G. GRCh37 (hg19) VCF-style: chr10-27389071-A-G.
Other names: c.185T>C, p.Val62Ala (NM_001256053.2); short protein forms V62A.
Identifiers: ClinVar variation 3360478 (VCV003360478.2).

ClinVar aggregate classification (germline): Uncertain significance. Review status: criteria provided, multiple submitters, no conflicts (2 of 4 stars). 2 submissions from 2 submitters: Uncertain significance (2). Last evaluated 2025-03-24.

Conditions:
Inborn genetic diseases. Identifiers: MedGen C0950123, MeSH D030342.

gnomAD v4.1: 1 of 1,614,056 alleles (0.000062%); highest among the groups gnomAD compares: Non-Finnish European, 0.000085%; no homozygotes.

Submissions (2):

Ambry Genetics
Classification: Uncertain significance for Inborn genetic diseases. Last evaluated: 2025-03-24. Review status: criteria provided, single submitter. Criteria: Ambry Variant Classification Scheme 2023. Collection method: clinical testing. Allele origin: germline.
Comment: The p.V62A variant (also known as c.185T>C), located in coding exon 1 of the ANKRD26 gene, results from a T to C substitution at nucleotide position 185. The valine at codon 62 is replaced by alanine, an amino acid with similar properties. This amino acid position is conserved. In addition, the in silico prediction for this alteration is inconclusive. Based on the available evidence, the clinical significance of this variant remains unclear.

GeneDx
Classification: Uncertain significance. Last evaluated: 2023-07-03. Review status: criteria provided, single submitter. Criteria: GeneDx Variant Classification Process June 2021. Collection method: clinical testing. Allele origin: germline. Affected: yes.
Comment: Not observed at significant frequency in large population cohorts (gnomAD); In silico analysis supports that this missense variant has a deleterious effect on protein structure/function; Has not been previously published as pathogenic or benign to our knowledge